The following is an entry in ClinVar:

NM_001369268.1(ACAN):c.2760_2761del (p.Gly921_Asp922insTer)

Gene: ACAN (aggrecan; plus strand). Cytogenetic location: 15q26.1.
Variant type: Deletion.
Coding change: c.2760_2761del on transcript NM_001369268.1 (MANE Select); coding-DNA positions 2760 to 2761, 2 bases deleted (AG; older notation c.2760_2761delAG).
Protein change: p.Gly921_Asp922insTer.
Molecular consequence: frameshift variant.
Genome position (GRCh38, 1-based): chr15:88,855,345-88,855,346, AG deleted. VCF-style (leftmost placement, unchanged base first): chr15-88855344-CAG-C. GRCh37 (hg19) VCF-style: chr15-89398575-CAG-C.
Other names: c.2760_2761del, p.Gly921_Asp922insTer (NM_001135.4, NM_001411096.1, NM_001411097.1 and 1 more transcripts).
Identifiers: ClinVar variation 3362252 (VCV003362252.2).

ClinVar aggregate classification (germline): Likely pathogenic (1 of 4 stars; one submission).

Conditions:
Short stature and advanced bone age, with or without early-onset osteoarthritis and/or osteochondritis dissecans (SSOAOD). Identifiers: Orphanet 251262, MedGen C3665488, MONDO:0100462, OMIM 165800.

Submission:

Suzhou Clinical Center for Rare Diseases in Children, Children's Hospital of Soochow University
Classification: Likely pathogenic for Short stature and advanced bone age, with or without early-onset osteoarthritis and/or osteochondritis dissecans. Last evaluated: 2024-09-01. Review status: criteria provided, single submitter. Criteria: ACMG Guidelines, 2015. Collection method: clinical testing. Allele origin: paternal. Affected: yes.
Comment: The NM_001369268.1:c.2760_2761del (p.Asp922Ter) variant of ACAN is a nonsense mutation that may lead to the premature termination and NMD (PVS1). This variant is not recorded in the gnomAD database (v4.1.0) (PM2_Surpporting). According to the ACMG guidelines, this variant is classified as likely pathogenic (PVS1+PM2_Surpporting).